The following is an entry in ClinVar:

ClinVar aggregate classification (germline): Uncertain significance (1 of 4 stars; one submission).

gnomAD v4.1: 1 of 1,614,078 alleles (0.000062%); highest among the groups gnomAD compares: East Asian, 0.0022%; no homozygotes.

Submission:

Athena Diagnostics
Classification: Uncertain significance. Last evaluated: 2023-10-27. Review status: criteria provided, single submitter. Criteria: Athena Diagnostics Criteria. Collection method: clinical testing. Allele origin: unknown.
Comment: Available data are insufficient to determine the clinical significance of the variant at this time. This variant has not been reported in large, multi-ethnic general populations. Computational tools predict that this variant is not damaging.

NM_182961.4(SYNE1):c.22025A>G (p.Lys7342Arg)

Gene: SYNE1 (spectrin repeat containing nuclear envelope protein 1; minus strand). Cytogenetic location: 6q25.2.
Variant type: single nucleotide variant.
Coding change: c.22025A>G on transcript NM_182961.4 (MANE Select); coding-DNA position 22025, A replaced by G.
Protein change: p.Lys7342Arg; replaces lysine 7342 with arginine.
Molecular consequence: missense variant.
Genome position (GRCh38, 1-based): chr6:152,219,022, T>C on the plus strand (A>G on the coding strand, the complement: SYNE1 is on the minus strand). VCF-style: chr6-152219022-T-C. GRCh37 (hg19) VCF-style: chr6-152540157-T-C.
Other names: c.21812A>G, p.Lys7271Arg (NM_033071.5); short protein forms K7271R, K7342R.
Identifiers: ClinVar variation 3571759 (VCV003571759.1).